The following is an entry in ClinVar:

NM_133259.4(LRPPRC):c.1261+8A>G

Gene: LRPPRC (leucine rich pentatricopeptide repeat containing; minus strand). Cytogenetic location: 2p21.
Variant type: single nucleotide variant.
Coding change: c.1261+8A>G on transcript NM_133259.4 (MANE Select); 8 bases into the intron after coding-DNA position 1261, A replaced by G.
Molecular consequence: intron variant.
Genome position (GRCh38, 1-based): chr2:43,973,787, T>C on the plus strand (A>G on the coding strand, the complement: LRPPRC is on the minus strand). VCF-style: chr2-43973787-T-C. GRCh37 (hg19) VCF-style: chr2-44200926-T-C.
Identifiers: ClinVar variation 681937 (VCV000681937.1), dbSNP rs1572565987, ClinGen allele CA915943777.

ClinVar aggregate classification (germline): Likely benign (1 of 4 stars; one submission).

Submission:

GeneDx
Classification: Likely benign. Last evaluated: 2018-05-01. Review status: criteria provided, single submitter. Criteria: GeneDx Variant Classification (06012015). Collection method: clinical testing. Allele origin: germline. Affected: yes.
Comment: This variant is considered likely benign or benign based on one or more of the following criteria: it is a conservative change, it occurs at a poorly conserved position in the protein, it is predicted to be benign by multiple in silico algorithms, and/or has population frequency not consistent with disease.